The following is an entry in ClinVar:

ClinVar aggregate classification (germline): Uncertain significance (1 of 4 stars; one submission).

Conditions:
Charcot-Marie-Tooth disease type 4. Also called: Charcot-Marie-Tooth disease, type IV; Charcot-Marie-Tooth, Type 4. Identifiers: Orphanet 64749, MedGen C4082197, MONDO:0018995.

gnomAD v4.1: 1 of 1,614,200 alleles (0.000062%); highest among the groups gnomAD compares: Non-Finnish European, 0.000085%; no homozygotes.

Submission:

Labcorp Genetics (formerly Invitae), Labcorp
Classification: Uncertain significance for Charcot-Marie-Tooth disease type 4. Last evaluated: 2024-03-07. Review status: criteria provided, single submitter. Criteria: Invitae Variant Classification Sherloc (09022015). Collection method: clinical testing. Allele origin: germline.
Comment: This sequence change replaces glycine, which is neutral and non-polar, with aspartic acid, which is acidic and polar, at codon 848 of the PRX protein (p.Gly848Asp). This variant is present in population databases (rs570322417, gnomAD 0.0009%). This variant has not been reported in the literature in individuals affected with PRX-related conditions. Advanced modeling of protein sequence and biophysical properties (such as structural, functional, and spatial information, amino acid conservation, physicochemical variation, residue mobility, and thermodynamic stability) performed at Invitae indicates that this missense variant is not expected to disrupt PRX protein function with a negative predictive value of 80%. In summary, the available evidence is currently insufficient to determine the role of this variant in disease. Therefore, it has been classified as a Variant of Uncertain Significance.

NM_181882.3(PRX):c.2543G>A (p.Gly848Asp)

Gene: PRX (periaxin; minus strand). Cytogenetic location: 19q13.2.
Variant type: single nucleotide variant.
Coding change: c.2543G>A on transcript NM_181882.3 (MANE Select); coding-DNA position 2543, G replaced by A.
Protein change: p.Gly848Asp; replaces glycine 848 with aspartic acid.
Molecular consequence: missense variant. On other transcripts: 3 prime UTR variant (1).
Genome position (GRCh38, 1-based): chr19:40,395,809, C>T on the plus strand (G>A on the coding strand, the complement: PRX is on the minus strand). VCF-style: chr19-40395809-C-T. GRCh37 (hg19) VCF-style: chr19-40901716-C-T.
Other names: c.2828G>A, p.Gly943Asp (NM_001411127.1); c.*2748G>A (NM_020956.2); short protein forms G848D, G943D.
Identifiers: ClinVar variation 3690155 (VCV003690155.2).